The following is an entry in ClinVar:

ClinVar aggregate classification (germline): Uncertain significance. Review status: criteria provided, multiple submitters, no conflicts (2 of 4 stars). 2 submissions from 2 submitters: Uncertain significance (2). Last evaluated 2025-03-04.

Allele frequency attached by ClinVar (database versions not stated): TOPMed 0.00001; gnomAD 0.00002; 1000 Genomes Project 30x 0.00016.
gnomAD v4.1: 12 of 1,613,172 alleles (0.00074%); highest among the groups gnomAD compares: African/African-American, 0.0013%; no homozygotes.

Submissions (2):

Labcorp Genetics (formerly Invitae), Labcorp
Classification: Uncertain significance. Last evaluated: 2025-03-04. Review status: criteria provided, single submitter. Criteria: Invitae Variant Classification Sherloc (09022015). Collection method: clinical testing. Allele origin: germline.
Comment: This sequence change replaces aspartic acid, which is acidic and polar, with asparagine, which is neutral and polar, at codon 268 of the WFS1 protein (p.Asp268Asn). This variant is present in population databases (no rsID available, gnomAD 0.007%). This variant has not been reported in the literature in individuals affected with WFS1-related conditions. ClinVar contains an entry for this variant (Variation ID: 2042534). Invitae Evidence Modeling of protein sequence and biophysical properties (such as structural, functional, and spatial information, amino acid conservation, physicochemical variation, residue mobility, and thermodynamic stability) indicates that this missense variant is not expected to disrupt WFS1 protein function with a negative predictive value of 95%. In summary, the available evidence is currently insufficient to determine the role of this variant in disease. Therefore, it has been classified as a Variant of Uncertain Significance.

Blueprint Genetics
Classification: Uncertain significance. Last evaluated: 2019-04-25. Review status: criteria provided, single submitter. Criteria: ACMG Guidelines, 2015. Collection method: clinical testing. Allele origin: germline.

NM_006005.3(WFS1):c.802G>A (p.Asp268Asn)

Gene: WFS1 (wolframin ER transmembrane glycoprotein; plus strand). Cytogenetic location: 4p16.1.
Variant type: single nucleotide variant.
Coding change: c.802G>A on transcript NM_006005.3 (MANE Select); coding-DNA position 802, G replaced by A.
Protein change: p.Asp268Asn; replaces aspartic acid 268 with asparagine.
Molecular consequence: missense variant.
Genome position (GRCh38, 1-based): chr4:6,295,130, G>A. VCF-style: chr4-6295130-G-A. GRCh37 (hg19) VCF-style: chr4-6296857-G-A.
Other names: c.802G>A, p.Asp268Asn (NM_001145853.1); short protein forms D268N.
Identifiers: ClinVar variation 2042534 (VCV002042534.5), dbSNP rs752585187, ClinGen allele CA91795142.